The following is an entry in ClinVar:

NM_177438.3(DICER1):c.2304T>A (p.Cys768Ter)

Gene: DICER1 (dicer 1, ribonuclease III; minus strand). Cytogenetic location: 14q32.13.
Variant type: single nucleotide variant.
Coding change: c.2304T>A on transcript NM_177438.3 (MANE Select); coding-DNA position 2304, T replaced by A.
Protein change: p.Cys768Ter; replaces cysteine 768 with a stop codon.
Molecular consequence: nonsense. On other transcripts: non-coding transcript variant (6).
Genome position (GRCh38, 1-based): chr14:95,108,456, A>T on the plus strand (T>A on the coding strand, the complement: DICER1 is on the minus strand). VCF-style: chr14-95108456-A-T. GRCh37 (hg19) VCF-style: chr14-95574793-A-T.
Other names: c.2304T>A, p.Cys768Ter (NM_001195573.1, NM_001271282.3, NM_001291628.2 and 13 more transcripts); c.2022T>A, p.Cys674Ter (NM_001395686.1); c.1899T>A, p.Cys633Ter (NM_001395687.1, NM_001395688.1, NM_001395689.1 and 2 more transcripts); c.1737T>A, p.Cys579Ter (NM_001395691.1); c.621T>A, p.Cys207Ter (NM_001395697.1); short protein forms C207*, C579*, C633*, C674*, C768*.
Identifiers: ClinVar variation 3229334 (VCV003229334.1), dbSNP rs2542856448, ClinGen allele CA390882336.

ClinVar aggregate classification (germline): Pathogenic (1 of 4 stars; one submission).

Conditions:
Hereditary cancer-predisposing syndrome. Also called: Neoplastic Syndromes, Hereditary; Tumor predisposition; Hereditary neoplastic syndrome; Hereditary Cancer Syndrome. Identifiers: Orphanet 140162, MedGen C0027672, MeSH D009386, MONDO:0015356.

Submission:

Ambry Genetics
Classification: Pathogenic for Hereditary cancer-predisposing syndrome. Last evaluated: 2023-12-13. Review status: criteria provided, single submitter. Criteria: Ambry Variant Classification Scheme 2023. Collection method: clinical testing. Allele origin: germline.
Comment: The p.C768* pathogenic mutation (also known as c.2304T>A), located in coding exon 14 of the DICER1 gene, results from a T to A substitution at nucleotide position 2304. This changes the amino acid from a cysteine to a stop codon within coding exon 14. This variant is considered to be rare based on population cohorts in the Genome Aggregation Database (gnomAD). This alteration is expected to result in loss of function by premature protein truncation or nonsense-mediated mRNA decay. As such, this alteration is interpreted as a disease-causing mutation.